The following is an entry in ClinVar:

NM_004656.4(BAP1):c.1734T>G (p.Gly578=)

Gene: BAP1 (BRCA1 associated deubiquitinase 1; minus strand). Cytogenetic location: 3p21.1.
Variant type: single nucleotide variant.
Coding change: c.1734T>G on transcript NM_004656.4 (MANE Select); coding-DNA position 1734, T replaced by G.
Protein change: p.Gly578=; no amino-acid change (glycine 578 retained).
Molecular consequence: synonymous variant.
Genome position (GRCh38, 1-based): chr3:52,403,294, A>C on the plus strand (T>G on the coding strand, the complement: BAP1 is on the minus strand). VCF-style: chr3-52403294-A-C. GRCh37 (hg19) VCF-style: chr3-52437310-A-C.
Other names: c.1734T>G (LRG_529t1).
Identifiers: ClinVar variation 485280 (VCV000485280.18), dbSNP rs545682192, ClinGen allele CA2436726.
Genomic context (GRCh38, chr3:52,403,294, plus strand): 5'-TGGGCTGCTGGACCCCTGGCTGCCTTGGATTGGTCTGATGGAGGGCGAGGAACCCTTCCC[A>C]CCCTCTGGGAAGAGAGGTCACAAGAAAATCATCAGAGTGCAGGACACTTTGTGGTCACTT-3'
Protein context (NP_004647.1, residues 568-588): GVLSPLALTE[Gly578=]GKGSSPSIRP

ClinVar aggregate classification (germline): Benign/Likely benign. Review status: criteria provided, multiple submitters, no conflicts (2 of 4 stars). 5 submissions from 5 submitters: Benign (1); Likely benign (4). Last evaluated 2025-07-09.

Conditions:
Hereditary cancer-predisposing syndrome. Also called: Neoplastic Syndromes, Hereditary; Tumor predisposition; Hereditary Cancer Syndrome; Hereditary neoplastic syndrome. Identifiers: Orphanet 140162, MedGen C0027672, MeSH D009386, MONDO:0015356.
BAP1-related tumor predisposition syndrome (TPDS1). Also called: Tumor susceptibility linked to germline BAP1 mutations; BAP1 tumor predisposition syndrome; COMMON Syndrome; TUMOR PREDISPOSITION SYNDROME 1. Identifiers: Orphanet 289539, MedGen C3280492, MONDO:0013692, OMIM 614327.

Submissions (5):

Labcorp Genetics (formerly Invitae), Labcorp
Classification: Likely benign for BAP1-related tumor predisposition syndrome. Last evaluated: 2025-07-09. Review status: criteria provided, single submitter. Criteria: Invitae Variant Classification Sherloc (09022015). Collection method: clinical testing. Allele origin: germline.

Myriad Genetics, Inc.
Classification: Benign for BAP1-related tumor predisposition syndrome. Last evaluated: 2024-07-17. Review status: criteria provided, single submitter. Criteria: Myriad Autosomal Dominant, Autosomal Recessive and X-Linked Classification Criteria (2023). Collection method: clinical testing. Allele origin: unknown.
Comment: This variant is considered benign. This variant is a silent/synonymous amino acid change and it is not expected to impact splicing.

GeneDx
Classification: Likely benign. Last evaluated: 2019-05-31. Review status: criteria provided, single submitter. Criteria: GeneDx Variant Classification Process June 2021. Collection method: clinical testing. Allele origin: germline. Affected: yes.
Comment: Not observed at a significant frequency in large population cohorts (Lek et al., 2016); Has not been previously published as pathogenic or benign to our knowledge

Color Diagnostics, LLC DBA Color Health
Classification: Likely benign for Hereditary cancer-predisposing syndrome. Last evaluated: 2018-09-25. Review status: criteria provided, single submitter. Criteria: ACMG Guidelines, 2015. Collection method: clinical testing. Allele origin: germline.

Ambry Genetics
Classification: Likely benign for Hereditary cancer-predisposing syndrome. Last evaluated: 2016-04-20. Review status: criteria provided, single submitter. Criteria: Ambry Variant Classification Scheme 2023. Collection method: clinical testing. Allele origin: germline.